The following is an entry in ClinVar:

ClinVar aggregate classification (germline): Uncertain significance. Review status: criteria provided, multiple submitters, no conflicts (2 of 4 stars). 2 submissions from 2 submitters: Uncertain significance (2). Last evaluated 2024-01-30.

Conditions:
Primary ciliary dyskinesia. Also called: Ciliary dyskinesia. Identifiers: Orphanet 244, MedGen C0008780, MONDO:0016575, HP:0012265.

Allele frequency attached by ClinVar (database versions not stated): gnomAD exomes 0.00002 and 0.00003; ExAC 0.00003; gnomAD 0.00003 and 0.00004; TOPMed 0.00006.
gnomAD v4.1: 32 of 1,613,370 alleles (0.002%); highest among the groups gnomAD compares: Admixed American, 0.0083%; no homozygotes.

Submissions (2):

Ambry Genetics
Classification: Uncertain significance. Last evaluated: 2024-01-30. Review status: criteria provided, single submitter. Criteria: Ambry Variant Classification Scheme 2023. Collection method: clinical testing. Allele origin: germline.

Labcorp Genetics (formerly Invitae), Labcorp
Classification: Uncertain significance for Primary ciliary dyskinesia. Last evaluated: 2022-07-06. Review status: criteria provided, single submitter. Criteria: Invitae Variant Classification Sherloc (09022015). Collection method: clinical testing. Allele origin: germline.
Comment: This sequence change replaces arginine, which is basic and polar, with glutamine, which is neutral and polar, at codon 1302 of the DNAH8 protein (p.Arg1302Gln). The frequency data for this variant in the population databases is considered unreliable, as metrics indicate poor data quality at this position in the gnomAD database. This variant has not been reported in the literature in individuals affected with DNAH8-related conditions. ClinVar contains an entry for this variant (Variation ID: 1392275). Algorithms developed to predict the effect of missense changes on protein structure and function are either unavailable or do not agree on the potential impact of this missense change (SIFT: "Tolerated"; PolyPhen-2: "Not Available"; Align-GVGD: "Class C0"). In summary, the available evidence is currently insufficient to determine the role of this variant in disease. Therefore, it has been classified as a Variant of Uncertain Significance.

NM_001206927.2(DNAH8):c.3905G>A (p.Arg1302Gln)

Gene: DNAH8 (dynein axonemal heavy chain 8; plus strand). Cytogenetic location: 6p21.2.
Variant type: single nucleotide variant.
Coding change: c.3905G>A on transcript NM_001206927.2 (MANE Select); coding-DNA position 3905, G replaced by A.
Protein change: p.Arg1302Gln; replaces arginine 1302 with glutamine.
Molecular consequence: missense variant.
Genome position (GRCh38, 1-based): chr6:38,826,213, G>A. VCF-style: chr6-38826213-G-A. GRCh37 (hg19) VCF-style: chr6-38793989-G-A.
Other names: c.3254G>A, p.Arg1085Gln (NM_001371.4); short protein forms R1302Q, R1085Q.
Identifiers: ClinVar variation 1392275 (VCV001392275.4), dbSNP rs267601013, ClinGen allele CA3788970.